The following is an entry in ClinVar:

NM_000081.4(LYST):c.5200A>G (p.Ile1734Val)

Gene: LYST (lysosomal trafficking regulator; minus strand). Cytogenetic location: 1q42.3.
Variant type: single nucleotide variant.
Coding change: c.5200A>G on transcript NM_000081.4 (MANE Select); coding-DNA position 5200, A replaced by G.
Protein change: p.Ile1734Val; replaces isoleucine 1734 with valine.
Molecular consequence: missense variant.
Genome position (GRCh38, 1-based): chr1:235,780,879, T>C on the plus strand (A>G on the coding strand, the complement: LYST is on the minus strand). VCF-style: chr1-235780879-T-C. GRCh37 (hg19) VCF-style: chr1-235944179-T-C.
Other names: c.5200A>G, p.Ile1734Val (NM_001301365.1); short protein forms I1734V.
Identifiers: ClinVar variation 2129303 (VCV002129303.4), dbSNP rs2528030421, ClinGen allele CA344955128.

ClinVar aggregate classification (germline): Uncertain significance (1 of 4 stars; one submission).

Conditions:
Chédiak-Higashi syndrome (CHS). Also called: Chediak-Higashi Syndrome. Identifiers: Orphanet 167, MedGen C0007965, MONDO:0008963, OMIM 214500.

Allele frequency attached by ClinVar (database versions not stated): gnomAD exomes below 0.00001.
gnomAD v4.1: 1 of 1,493,324 alleles (0.000067%); highest among the groups gnomAD compares: Non-Finnish European, 0.000092%; no homozygotes.

Submission:

Labcorp Genetics (formerly Invitae), Labcorp
Classification: Uncertain significance for Chédiak-Higashi syndrome. Last evaluated: 2022-04-22. Review status: criteria provided, single submitter. Criteria: Invitae Variant Classification Sherloc (09022015). Collection method: clinical testing. Allele origin: germline.
Comment: This sequence change replaces isoleucine, which is neutral and non-polar, with valine, which is neutral and non-polar, at codon 1734 of the LYST protein (p.Ile1734Val). This variant is not present in population databases (gnomAD no frequency). This variant has not been reported in the literature in individuals affected with LYST-related conditions. Algorithms developed to predict the effect of missense changes on protein structure and function output the following: SIFT: "Tolerated"; PolyPhen-2: "Benign"; Align-GVGD: "Class C0". The valine amino acid residue is found in multiple mammalian species, which suggests that this missense change does not adversely affect protein function. In summary, the available evidence is currently insufficient to determine the role of this variant in disease. Therefore, it has been classified as a Variant of Uncertain Significance.